The following is an entry in ClinVar:

NM_000094.4(COL7A1):c.4766dup (p.Asp1590fs)

Gene: COL7A1 (collagen type VII alpha 1 chain; minus strand). Cytogenetic location: 3p21.31.
Variant type: Duplication.
Coding change: c.4766dup on transcript NM_000094.4 (MANE Select); coding-DNA position 4766, one base duplicated (G; older notation c.4766dupG).
Protein change: p.Asp1590fs; shifts the reading frame from aspartic acid 1590.
Molecular consequence: frameshift variant.
Genome position (GRCh38, 1-based): chr3:48,581,589, C duplicated on the plus strand (G on the coding strand, the reverse complement: COL7A1 is on the minus strand); the first of 3 consecutive C bases (chr3:48,581,589-48,581,591); duplicating any one gives the same sequence. VCF-style (leftmost placement, unchanged base first): chr3-48581588-T-TC. GRCh37 (hg19) VCF-style: chr3-48619021-T-TC.
Other names: c.4766dupG (NM_000094.3); c.4766dup (NM_000094.3); short protein forms D1590fs.
Identifiers: ClinVar variation 1453653 (VCV001453653.9), dbSNP rs1369428850, ClinGen allele CA907756645.

ClinVar aggregate classification (germline): Pathogenic. Review status: criteria provided, multiple submitters, no conflicts (2 of 4 stars). 4 submissions from 4 submitters: Pathogenic (4). Last evaluated 2025-08-29.

Conditions:
Epidermolysis bullosa dystrophica. Also called: Dystrophic epidermolysis bullosa, Hallopeau-Siemens type (formerly); Dystrophic epidermolysis bullosa. Identifiers: Orphanet 303, MedGen C0079294, MONDO:0006543.
Recessive dystrophic epidermolysis bullosa (RDEB). Also called: Recessive DEB (RDEB); DYSTROPHIC EPIDERMOLYSIS BULLOSA, AUTOSOMAL RECESSIVE; EPIDERMOLYSIS BULLOSA DYSTROPHICA, HALLOPEAU-SIEMENS TYPE; severe generalized recessive dystrophic epidermolysis bullosa; Hallopeau-Siemens Disease; Epidermolysis Bullosa Distrophica Autosomal Recessive (RDEB). Identifiers: Orphanet 79408, Orphanet 79409, MedGen C0079474, MONDO:0009179, OMIM 226600.

Submissions (4):

Myriad Genetics, Inc.
Classification: Pathogenic for Recessive dystrophic epidermolysis bullosa. Last evaluated: 2025-08-29. Review status: criteria provided, single submitter. Criteria: Myriad Autosomal Dominant, Autosomal Recessive and X-Linked Classification Criteria (2023). Collection method: clinical testing. Allele origin: unknown.
Comment: NM_000094.3(COL7A1):c.4766dupG(D1590Rfs*19) is a frameshift variant classified as pathogenic in the context of dystrophic epidermolysis bullosa. D1590Rfs*19 has been observed in a case with relevant disease (PMID: 16971478). Relevant functional assessments of this variant are not available in the literature. D1590Rfs*19 has not been observed in referenced population frequency databases. In summary, NM_000094.3(COL7A1):c.4766dupG(D1590Rfs*19) is a frameshift variant in a gene where loss of function is a known mechanism of disease, is predicted to disrupt protein function, and has been observed more frequently in cases with the relevant disease than in healthy populations. Please note: this variant was assessed in the context of healthy population screening.

Natera, Inc.
Classification: Pathogenic for Dystrophic epidermolysis bullosa. Last evaluated: 2025-01-03. Review status: criteria provided, single submitter. Criteria: Natera Variant Classification Schema (03/2026). Collection method: clinical testing. Allele origin: germline.
Comment: The c.4766dupG variant in COL7A1 is a frameshift variant predicted to shift the reading frame beginning at codon 1590 and leads to a stop codon 19 codons downstream. This variant is expected to result in nonsense mediated decay, truncation, or a dysfunctional protein product. This variant is rare in the general population with a frequency below the threshold expected for the associated phenotype(s). This variant has been observed in one or more individuals affected with the associated recessive disease, as either homozygous or compound heterozygous with a second variant (PMID: 16971478). Given the available evidence, this variant is classified as Pathogenic.

GeneDx
Classification: Pathogenic. Last evaluated: 2024-11-11. Review status: criteria provided, single submitter. Criteria: GeneDx Variant Classification Process June 2021. Collection method: clinical testing. Allele origin: germline. Affected: yes.
Comment: Frameshift variant predicted to result in protein truncation or nonsense mediated decay in a gene for which loss of function is a known mechanism of disease; Not observed at significant frequency in large population cohorts (gnomAD); This variant is associated with the following publications: (PMID: 16971478)

Labcorp Genetics (formerly Invitae), Labcorp
Classification: Pathogenic. Last evaluated: 2023-07-14. Review status: criteria provided, single submitter. Criteria: Invitae Variant Classification Sherloc (09022015). Collection method: clinical testing. Allele origin: germline.
Comment: For these reasons, this variant has been classified as Pathogenic. ClinVar contains an entry for this variant (Variation ID: 1453653). This variant is also known as 4763insG. This premature translational stop signal has been observed in individual(s) with clinical features of autosomal recessive epidermolysis bullosa (PMID: 16971478). This variant is not present in population databases (gnomAD no frequency). This sequence change creates a premature translational stop signal (p.Asp1590Argfs*19) in the COL7A1 gene. It is expected to result in an absent or disrupted protein product. Loss-of-function variants in COL7A1 are known to be pathogenic (PMID: 16971478).

Literature cited by the submitters: PubMed 16971478 (cited by 3 submitters).